The following is an entry in ClinVar:

NM_144997.7(FLCN):c.1445T>C (p.Ile482Thr)

Gene: FLCN (folliculin; minus strand). Cytogenetic location: 17p11.2.
Variant type: single nucleotide variant.
Coding change: c.1445T>C on transcript NM_144997.7 (MANE Select); coding-DNA position 1445, T replaced by C.
Protein change: p.Ile482Thr; replaces isoleucine 482 with threonine.
Molecular consequence: missense variant.
Genome position (GRCh38, 1-based): chr17:17,215,078, A>G on the plus strand (T>C on the coding strand, the complement: FLCN is on the minus strand). VCF-style: chr17-17215078-A-G. GRCh37 (hg19) VCF-style: chr17-17118392-A-G.
Other names: c.1499T>C, p.Ile500Thr (NM_001353229.2); c.1445T>C, p.Ile482Thr (NM_001353230.2, NM_001353231.2); short protein forms I500T, I482T.
Identifiers: ClinVar variation 4700623 (VCV004700623.1).

ClinVar aggregate classification (germline): Uncertain significance (1 of 4 stars; one submission).

Conditions:
Birt-Hogg-Dube syndrome. Also called: Birt Hogg Dubé syndrome. Identifiers: Orphanet 122, MedGen C0346010, MONDO:0800444.

Submission:

Labcorp Genetics (formerly Invitae), Labcorp
Classification: Uncertain significance for Birt-Hogg-Dube syndrome. Last evaluated: 2025-08-30. Review status: criteria provided, single submitter. Criteria: Invitae Variant Classification Sherloc (09022015). Collection method: clinical testing. Allele origin: germline.
Comment: This sequence change replaces isoleucine, which is neutral and non-polar, with threonine, which is neutral and polar, at codon 482 of the FLCN protein (p.Ile482Thr). This variant is not present in population databases (gnomAD no frequency). This variant has not been reported in the literature in individuals affected with FLCN-related conditions. Invitae Evidence Modeling of protein sequence and biophysical properties (such as structural, functional, and spatial information, amino acid conservation, physicochemical variation, residue mobility, and thermodynamic stability) indicates that this missense variant is not expected to disrupt FLCN protein function with a negative predictive value of 80%. In summary, the available evidence is currently insufficient to determine the role of this variant in disease. Therefore, it has been classified as a Variant of Uncertain Significance.